The following is an entry in ClinVar:

NM_153240.5(NPHP3):c.3448C>T (p.Gln1150Ter)

Genes: NPHP3 (nephrocystin 3; minus strand), NPHP3-ACAD11 (NPHP3-ACAD11 readthrough (NMD candidate); minus strand). Cytogenetic location: 3q22.1.
Variant type: single nucleotide variant.
Coding change: c.3448C>T on transcript NM_153240.5 (MANE Select); coding-DNA position 3448, C replaced by T.
Protein change: p.Gln1150Ter; replaces glutamine 1150 with a stop codon.
Molecular consequence: nonsense. On other transcripts: non-coding transcript variant (1).
Genome position (GRCh38, 1-based): chr3:132,684,676, G>A on the plus strand (C>T on the coding strand, the complement: NPHP3 is on the minus strand). VCF-style: chr3-132684676-G-A. GRCh37 (hg19) VCF-style: chr3-132403520-G-A.
Other names: short protein forms Q1150*.
Identifiers: ClinVar variation 4694669 (VCV004694669.1).
Genomic context (GRCh38, chr3:132,684,676, plus strand): 5'-CTAATGCACGTCTCCGAATATCTAAAGCTCTTTCATAAAGTTCTTCTGCTTTATCATACT[G>A]TTTCTTTTCATTGCATAGAGCTGCCAGATTATTCAAAGACTGAGCACAGTCAGGGTGATC-3'

ClinVar aggregate classification (germline): Pathogenic (1 of 4 stars; one submission).

Conditions:
Nephronophthisis. Also called: Juvenile Nephronophthisis. Identifiers: Orphanet 655, MedGen C0687120, MONDO:0019005, HP:0000090.

gnomAD v4.1: 1 of 1,614,042 alleles (0.000062%); highest among the groups gnomAD compares: African/African-American, 0.0013%; no homozygotes.

Submission:

Labcorp Genetics (formerly Invitae), Labcorp
Classification: Pathogenic for Nephronophthisis. Last evaluated: 2025-12-15. Review status: criteria provided, single submitter. Criteria: Invitae Variant Classification Sherloc (09022015). Collection method: clinical testing. Allele origin: germline.
Comment: This sequence change creates a premature translational stop signal (p.Gln1150*) in the NPHP3 gene. It is expected to result in an absent or disrupted protein product. Loss-of-function variants in NPHP3 are known to be pathogenic (PMID: 18371931, 23559409). This variant is not present in population databases (gnomAD no frequency). This premature translational stop signal has been observed in individual(s) with clinical features of NPHP3-related conditions (PMID: 31844813). Algorithms developed to predict the effect of sequence changes on RNA splicing suggest that this variant may disrupt the consensus splice site. For these reasons, this variant has been classified as Pathogenic.

Literature cited by the submitters: PubMed 18371931; PubMed 23559409; PubMed 31844813.